The following is an entry in ClinVar:

ClinVar aggregate classification (germline): Pathogenic (1 of 4 stars; one submission).

Conditions:
Duchenne muscular dystrophy (DMD). Also called: Duchenne Muscular Dystrophy (DMD); MUSCULAR DYSTROPHY, PSEUDOHYPERTROPHIC PROGRESSIVE, DUCHENNE TYPE. Identifiers: Orphanet 98896, MedGen C0013264, MONDO:0010679, OMIM 310200.

Submission:

Labcorp Genetics (formerly Invitae), Labcorp
Classification: Pathogenic for Duchenne muscular dystrophy. Last evaluated: 2017-08-09. Review status: criteria provided, single submitter. Criteria: Invitae Variant Classification Sherloc (09022015). Collection method: clinical testing. Allele origin: germline.
Comment: For these reasons, this variant has been classified as Pathogenic. Loss-of-function variants in DMD are known to be pathogenic (PMID: 16770791, 25007885). This variant has been reported in individuals affected with Duchenne muscular dystrophy (PMID: 10464635, 20485447). This variant is not present in population databases (ExAC no frequency). This sequence change creates a premature translational stop signal (p.Gln926*) in the DMD gene. It is expected to result in an absent or disrupted protein product.

Literature cited by the submitters: PubMed 16770791; PubMed 25007885; PubMed 10464635; PubMed 20485447.

NM_004006.3(DMD):c.2776C>T (p.Gln926Ter)

Gene: DMD (dystrophin; minus strand). Cytogenetic location: Xp21.1.
Variant type: single nucleotide variant.
Coding change: c.2776C>T on transcript NM_004006.3 (MANE Select); coding-DNA position 2776, C replaced by T.
Protein change: p.Gln926Ter; replaces glutamine 926 with a stop codon.
Molecular consequence: nonsense.
Genome position (GRCh38, 1-based): chrX:32,484,946, G>A on the plus strand (C>T on the coding strand, the complement: DMD is on the minus strand). VCF-style: chrX-32484946-G-A. GRCh37 (hg19) VCF-style: chrX-32503063-G-A.
Other names: c.2752C>T, p.Gln918Ter (NM_000109.4); c.2764C>T, p.Gln922Ter (NM_004009.3); c.2407C>T, p.Gln803Ter (NM_004010.3); short protein forms Q926*, Q803*, Q918*, Q922*.
Identifiers: ClinVar variation 526072 (VCV000526072.10), dbSNP rs1055371114, ClinGen allele CA412670691.
Genomic context (GRCh38, chrX:32,484,946, plus strand): 5'-TGTCAAGTTAGCCATTTTAGGCTTTTTACTTACTTGTCTGTAGCTCTTTCTCTCTGGCCT[G>A]CACATCAGAAAAGACTTGCTTAAAATGATTTGTAAAGGCCACAAAGTCTGCATCCAGGAA-3'